The following is an entry in ClinVar:

NM_001283009.2(RTEL1):c.316A>T (p.Ile106Phe)

Genes: RTEL1 (regulator of telomere elongation helicase 1; plus strand), RTEL1-TNFRSF6B (RTEL1-TNFRSF6B readthrough (NMD candidate); plus strand). Cytogenetic location: 20q13.33.
Variant type: single nucleotide variant.
Coding change: c.316A>T on transcript NM_001283009.2 (MANE Select); coding-DNA position 316, A replaced by T.
Protein change: p.Ile106Phe; replaces isoleucine 106 with phenylalanine.
Molecular consequence: missense variant. On other transcripts: non-coding transcript variant (1), 5 prime UTR variant (1).
Genome position (GRCh38, 1-based): chr20:63,661,864, A>T. VCF-style: chr20-63661864-A-T. GRCh37 (hg19) VCF-style: chr20-62293217-A-T.
Other names: c.-354A>T (NM_001283010.1); c.316A>T, p.Ile106Phe (NM_016434.4, NM_032957.5); short protein forms I106F.
Identifiers: ClinVar variation 862303 (VCV000862303.11), dbSNP rs2090027158, ClinGen allele CA409668563.

ClinVar aggregate classification (germline): Uncertain significance. Review status: criteria provided, multiple submitters, no conflicts (2 of 4 stars). 2 submissions from 2 submitters: Uncertain significance (2). Last evaluated 2026-05-18.

Conditions:
Pulmonary fibrosis and/or bone marrow failure, Telomere-related, 3. Also called: PULMONARY FIBROSIS AND/OR BONE MARROW FAILURE SYNDROME, TELOMERE-RELATED, 3. Identifiers: Orphanet 2032, MedGen C4225346, MONDO:0014613, OMIM 616373.
Dyskeratosis congenita, autosomal recessive 5 (DKCB5). Identifiers: MedGen C3554656, MONDO:0014076, OMIM 615190.
Inborn genetic diseases. Identifiers: MedGen C0950123, MeSH D030342.

Submissions (2):

Ambry Genetics
Classification: Uncertain significance for Inborn genetic diseases. Last evaluated: 2026-05-18. Review status: criteria provided, single submitter. Criteria: Ambry Variant Classification Scheme 2023. Collection method: clinical testing. Allele origin: germline.
Comment: The p.I106F variant (also known as c.316A>T), located in coding exon 3 of the RTEL1 gene, results from an A to T substitution at nucleotide position 316. The isoleucine at codon 106 is replaced by phenylalanine, an amino acid with highly similar properties. This amino acid position is conserved. In addition, this alteration is predicted to be tolerated by in silico analysis. Based on the available evidence, the clinical significance of this variant remains unclear.

Labcorp Genetics (formerly Invitae), Labcorp
Classification: Uncertain significance for Dyskeratosis congenita, autosomal recessive 5; Pulmonary fibrosis and/or bone marrow failure, Telomere-related, 3. Last evaluated: 2019-11-25. Review status: criteria provided, single submitter. Criteria: Invitae Variant Classification Sherloc (09022015). Collection method: clinical testing. Allele origin: germline.
Comment: In summary, the available evidence is currently insufficient to determine the role of this variant in disease. Therefore, it has been classified as a Variant of Uncertain Significance. Algorithms developed to predict the effect of missense changes on protein structure and function are either unavailable or do not agree on the potential impact of this missense change (SIFT: "Deleterious"; PolyPhen-2: "Benign"; Align-GVGD: "Class C0"). This variant has not been reported in the literature in individuals with RTEL1-related conditions. This variant is not present in population databases (ExAC no frequency). This sequence change replaces isoleucine with phenylalanine at codon 106 of the RTEL1 protein (p.Ile106Phe). The isoleucine residue is moderately conserved and there is a small physicochemical difference between isoleucine and phenylalanine.